The following is an entry in ClinVar:

GRCh38/hg38 16p13.3(chr16:3607087-3877320)x1

Genes: CREBBP (CREB binding protein; minus strand), DNASE1 (deoxyribonuclease 1; plus strand), SLX4 (SLX4 structure-specific endonuclease subunit; minus strand), TRAP1 (TNF receptor associated protein 1; minus strand), LOC125146381 (Sharpr-MPRA regulatory region 6998; plus strand) and 10 more. Cytogenetic location: 16p13.3.
Variant type: copy number loss.
Change: copy number 1 (one copy instead of two) of chr16:3,607,087-3,877,320 (270.2 kb, GRCh38 coordinates, 1-based), cytogenetic band 16p13.3.
Identifiers: ClinVar variation 59429 (VCV000059429.1).

ClinVar aggregate classification (germline): Pathogenic (1 of 4 stars; one submission).

Submission:

ISCA site 15
Classification: Pathogenic. Last evaluated: 2011-08-12. Review status: criteria provided, single submitter. Criteria: Kaminsky et al. (Genet Med. 2011). Collection method: clinical testing. Allele origin: de novo. Affected: yes. Observed: 1 variant allele.
Comment: Copy number variation identified through the course of routine clinical cytogenomic testing in postnatal populations. Clinical assertions have been curated as described in Kaminsky et al. 2011.